The following is an entry in ClinVar:

NM_153033.5(KCTD7):c.192A>G (p.Thr64=)

Gene: KCTD7 (potassium channel tetramerization domain containing 7; plus strand). Cytogenetic location: 7q11.21.
Variant type: single nucleotide variant.
Coding change: c.192A>G on transcript NM_153033.5 (MANE Select); coding-DNA position 192, A replaced by G.
Protein change: p.Thr64=; no amino-acid change (threonine 64 retained).
Molecular consequence: synonymous variant.
Genome position (GRCh38, 1-based): chr7:66,633,322, A>G. VCF-style: chr7-66633322-A-G. GRCh37 (hg19) VCF-style: chr7-66098309-A-G.
Other names: p.T64T:ACA>ACG; c.192A>G, p.Thr64= (NM_001167961.2).
Identifiers: ClinVar variation 206007 (VCV000206007.17), dbSNP rs142526573, ClinGen allele CA315677.

ClinVar aggregate classification (germline): Benign/Likely benign. Review status: criteria provided, multiple submitters, no conflicts (2 of 4 stars). 4 submissions from 4 submitters: Benign (1); Likely benign (3). Last evaluated 2025-12-17.

Conditions:
Inborn genetic diseases. Identifiers: MedGen C0950123, MeSH D030342.
Progressive myoclonic epilepsy type 3. Also called: KCTD7-Related Progressive Myoclonic Epilepsy; EPILEPSY, PROGRESSIVE MYOCLONIC, 3, WITH OR WITHOUT INTRACELLULAR INCLUSIONS; CEROID LIPOFUSCINOSIS, NEURONAL, 14; EPILEPSY, PROGRESSIVE MYOCLONIC, 3, WITHOUT INTRACELLULAR INCLUSIONS. Identifiers: Orphanet 263516, MedGen C2673257, MONDO:0012721, OMIM 611726.

Allele frequency attached by ClinVar (database versions not stated): gnomAD exomes 0.00001 and 0.00006; ExAC 0.00006; gnomAD 0.00014; TOPMed 0.00031; ESP Exome Variant Server 0.00054; 1000 Genomes Project 0.00080; 1000 Genomes Project 30x 0.00094.
gnomAD v4.1: 49 of 1,613,790 alleles (0.003%); highest among the groups gnomAD compares: African/African-American, 0.04%; no homozygotes.

Submissions (4):

Labcorp Genetics (formerly Invitae), Labcorp
Classification: Likely benign for Progressive myoclonic epilepsy type 3. Last evaluated: 2025-12-17. Review status: criteria provided, single submitter. Criteria: Invitae Variant Classification Sherloc (09022015). Collection method: clinical testing. Allele origin: germline.

Ambry Genetics
Classification: Likely benign for Inborn genetic diseases. Last evaluated: 2016-09-16. Review status: criteria provided, single submitter. Criteria: Ambry Variant Classification Scheme 2023. Collection method: clinical testing. Allele origin: germline.

GeneDx
Classification: Benign. Last evaluated: 2014-12-19. Review status: criteria provided, single submitter. Criteria: GeneDx Variant Classification (06012015). Collection method: clinical testing. Allele origin: germline. Affected: yes.
Comment: This variant is considered likely benign or benign based on one or more of the following criteria: it is a conservative change, it occurs at a poorly conserved position in the protein, it is predicted to be benign by multiple in silico algorithms, and/or has population frequency not consistent with disease.

Breakthrough Genomics
Classification: Likely benign. Review status: criteria provided, single submitter. Criteria: ACMG Guidelines, 2015. Collection method: not provided. Allele origin: germline. Inheritance: Autosomal recessive inheritance. Affected: yes.